The following is an entry in ClinVar:

NM_000368.5(TSC1):c.2079C>T (p.Asp693=)

Gene: TSC1 (TSC complex subunit 1; minus strand). Cytogenetic location: 9q34.13.
Variant type: single nucleotide variant.
Coding change: c.2079C>T on transcript NM_000368.5 (MANE Select); coding-DNA position 2079, C replaced by T.
Protein change: p.Asp693=; no amino-acid change (aspartic acid 693 retained).
Molecular consequence: synonymous variant. On other transcripts: non-coding transcript variant (4).
Genome position (GRCh38, 1-based): chr9:132,903,780, G>A on the plus strand (C>T on the coding strand, the complement: TSC1 is on the minus strand). VCF-style: chr9-132903780-G-A. GRCh37 (hg19) VCF-style: chr9-135779167-G-A.
Other names: c.2076C>T, p.Asp692= (NM_001162426.2, NM_001406597.1, NM_001406598.1 and 4 more transcripts); c.1926C>T, p.Asp642= (NM_001162427.2, NM_001406610.1); c.1716C>T, p.Asp572= (NM_001362177.2, NM_001406614.1, NM_001406615.1 and 5 more transcripts); c.2079C>T, p.Asp693= (NM_001406592.1, NM_001406593.1, NM_001406594.1 and 5 more transcripts); c.2064C>T, p.Asp688= (NM_001406601.1, NM_001406602.1); c.2061C>T, p.Asp687= (NM_001406603.1, NM_001406604.1); c.1923C>T, p.Asp641= (NM_001406611.1, NM_001406612.1, NM_001406613.1); c.1713C>T, p.Asp571= (NM_001406620.1, NM_001406621.1, NM_001406622.1 and 2 more transcripts); and 3 more.
Identifiers: ClinVar variation 3071466 (VCV003071466.1), dbSNP rs2131771893, ClinGen allele CA467590741.
Genomic context (GRCh38, chr9:132,903,780, plus strand): 5'-GGCATGCTGCTGCCTCTTAAAACGCTCATAGAGTAACTGGTTGTGCAGTAAAAGCAACTG[G>A]TCTCGGAGGGTGCGGATCTCATCTGAAGGAGGAGAGCCTGATTGTAAAGCAGAGGGAGGG-3'
Protein context (NP_000359.1, residues 683-703): PPSDEIRTLR[Asp693=]QLLLLHNQLL

ClinVar aggregate classification (germline): Likely benign (1 of 4 stars; one submission).

Conditions:
Tuberous sclerosis syndrome (TSC). Also called: Tuberous Sclerosis Complex; Tuberous sclerosis. Identifiers: Orphanet 805, MedGen C0041341, MONDO:0001734.

Submission:

All of Us Research Program, National Institutes of Health
Classification: Likely benign for Tuberous sclerosis syndrome. Last evaluated: 2023-06-08. Review status: criteria provided, single submitter. Criteria: ACMG Guidelines, 2015. Collection method: clinical testing. Allele origin: germline. Inheritance: Autosomal dominant inheritance. Observed: 1 variant allele, 1 heterozygote.
Comment: This study involves interpretation of variants in research participants for the purpose of population health screening. Participant phenotype was not available at the time of variant classification. Additional details can be found in publication PMID: 35346344, PMCID: PMC8962531